The following is an entry in ClinVar:

NM_000531.6(OTC):c.716A>T (p.Glu239Val)

Gene: OTC (ornithine transcarbamylase; plus strand). Cytogenetic location: Xp11.4.
Variant type: single nucleotide variant.
Coding change: c.716A>T on transcript NM_000531.6 (MANE Select); coding-DNA position 716, A replaced by T.
Protein change: p.Glu239Val; replaces glutamic acid 239 with valine.
Molecular consequence: missense variant.
Genome position (GRCh38, 1-based): chrX:38,408,794, A>T. VCF-style: chrX-38408794-A-T. GRCh37 (hg19) VCF-style: chrX-38268047-A-T.
Other names: short protein forms E239V.
Identifiers: ClinVar variation 97296 (VCV000097296.2), dbSNP rs67283833, ClinGen allele CA224750.

ClinVar aggregate classification (germline): Pathogenic (0 of 4 stars; one submission).

Submission:

GenMed Metabolism Lab
Classification: Pathogenic. Review status: no assertion criteria provided. Collection method: not provided. Allele origin: unknown.
Comment: p.Glu239Val, Neonatal,
ClinVar note: Converted during submission from pathogenic to Pathogenic.